The following is an entry in ClinVar:

ClinVar aggregate classification (germline): Uncertain significance. Review status: criteria provided, multiple submitters, no conflicts (2 of 4 stars). 2 submissions from 2 submitters: Uncertain significance (2). Last evaluated 2024-08-07.

Conditions:
Gastrointestinal stromal tumor. Also called: Gastrointestinal stromal tumor, somatic; Gastrointestinal stroma tumor. Identifiers: Orphanet 44890, MedGen C0238198, MeSH D046152, MONDO:0011719, OMIM 606764, HP:0100723.
Hereditary cancer-predisposing syndrome. Also called: Tumor predisposition; Neoplastic Syndromes, Hereditary; Hereditary neoplastic syndrome; Hereditary Cancer Syndrome. Identifiers: Orphanet 140162, MedGen C0027672, MeSH D009386, MONDO:0015356.

Allele frequency attached by ClinVar (database versions not stated): gnomAD exomes below 0.00001.
gnomAD v4.1: 2 of 1,613,866 alleles (0.00012%); highest among the groups gnomAD compares: Non-Finnish European, 0.00017%; no homozygotes.

Submissions (2):

Ambry Genetics
Classification: Uncertain significance for Hereditary cancer-predisposing syndrome. Last evaluated: 2024-08-07. Review status: criteria provided, single submitter. Criteria: Ambry Variant Classification Scheme 2023. Collection method: clinical testing. Allele origin: germline.
Comment: The p.Y187C variant (also known as c.560A>G), located in coding exon 3 of the PDGFRA gene, results from an A to G substitution at nucleotide position 560. The tyrosine at codon 187 is replaced by cysteine, an amino acid with highly dissimilar properties. This amino acid position is conserved. In addition, the in silico prediction for this alteration is inconclusive. Based on the available evidence, the clinical significance of this variant remains unclear.

Labcorp Genetics (formerly Invitae), Labcorp
Classification: Uncertain significance for Gastrointestinal stromal tumor. Last evaluated: 2024-05-15. Review status: criteria provided, single submitter. Criteria: Invitae Variant Classification Sherloc (09022015). Collection method: clinical testing. Allele origin: germline.
Comment: This sequence change replaces tyrosine, which is neutral and polar, with cysteine, which is neutral and slightly polar, at codon 187 of the PDGFRA protein (p.Tyr187Cys). This variant is not present in population databases (gnomAD no frequency). This variant has not been reported in the literature in individuals affected with PDGFRA-related conditions. ClinVar contains an entry for this variant (Variation ID: 1039423). Advanced modeling of protein sequence and biophysical properties (such as structural, functional, and spatial information, amino acid conservation, physicochemical variation, residue mobility, and thermodynamic stability) has been performed at Invitae for this missense variant, however the output from this modeling did not meet the statistical confidence thresholds required to predict the impact of this variant on PDGFRA protein function. In summary, the available evidence is currently insufficient to determine the role of this variant in disease. Therefore, it has been classified as a Variant of Uncertain Significance.

NM_006206.6(PDGFRA):c.560A>G (p.Tyr187Cys)

Gene: PDGFRA (platelet derived growth factor receptor alpha; plus strand). Cytogenetic location: 4q12.
Variant type: single nucleotide variant.
Coding change: c.560A>G on transcript NM_006206.6 (MANE Select); coding-DNA position 560, A replaced by G.
Protein change: p.Tyr187Cys; replaces tyrosine 187 with cysteine.
Molecular consequence: missense variant.
Genome position (GRCh38, 1-based): chr4:54,263,859, A>G. VCF-style: chr4-54263859-A-G. GRCh37 (hg19) VCF-style: chr4-55130026-A-G.
Other names: c.560A>G, p.Tyr187Cys (NM_001347827.2, NM_001347829.2); c.635A>G, p.Tyr212Cys (NM_001347828.2); c.599A>G, p.Tyr200Cys (NM_001347830.2); c.560A>G (NM_006206.4); short protein forms Y187C, Y212C, Y200C.
Identifiers: ClinVar variation 1039423 (VCV001039423.10), dbSNP rs1577709665, ClinGen allele CA356890085.